The following is an entry in ClinVar:

NM_004304.5(ALK):c.4401A>C (p.Arg1467Ser)

Gene: ALK (ALK receptor tyrosine kinase; minus strand). Cytogenetic location: 2p23.2.
Variant type: single nucleotide variant.
Coding change: c.4401A>C on transcript NM_004304.5 (MANE Select); coding-DNA position 4401, A replaced by C.
Protein change: p.Arg1467Ser; replaces arginine 1467 with serine.
Molecular consequence: missense variant.
Genome position (GRCh38, 1-based): chr2:29,193,686, T>G on the plus strand (A>C on the coding strand, the complement: ALK is on the minus strand). VCF-style: chr2-29193686-T-G. GRCh37 (hg19) VCF-style: chr2-29416552-T-G.
Other names: c.1197A>C, p.Arg399Ser (NM_001353765.2); short protein forms R1467S, R399S.
Identifiers: ClinVar variation 3856010 (VCV003856010.1).

ClinVar aggregate classification (germline): Uncertain significance (1 of 4 stars; one submission).

Conditions:
Hereditary cancer-predisposing syndrome. Also called: Hereditary neoplastic syndrome; Neoplastic Syndromes, Hereditary; Tumor predisposition; Hereditary Cancer Syndrome. Identifiers: Orphanet 140162, MedGen C0027672, MeSH D009386, MONDO:0015356.

Submission:

Ambry Genetics
Classification: Uncertain significance for Hereditary cancer-predisposing syndrome. Last evaluated: 2025-03-02. Review status: criteria provided, single submitter. Criteria: Ambry Variant Classification Scheme 2023. Collection method: clinical testing. Allele origin: germline.
Comment: The p.R1467S variant (also known as c.4401A>C), located in coding exon 29 of the ALK gene, results from an A to C substitution at nucleotide position 4401. The arginine at codon 1467 is replaced by serine, an amino acid with dissimilar properties. This amino acid position is conserved. In addition, this alteration is predicted to be tolerated by in silico analysis. Based on the available evidence, the clinical significance of this variant remains unclear.